The following is an entry in ClinVar:

NM_138576.4(BCL11B):c.291C>G (p.Ser97Arg)

Gene: BCL11B (BCL11 transcription factor B; minus strand). Cytogenetic location: 14q32.2.
Variant type: single nucleotide variant.
Coding change: c.291C>G on transcript NM_138576.4 (MANE Select); coding-DNA position 291, C replaced by G.
Protein change: p.Ser97Arg; replaces serine 97 with arginine.
Molecular consequence: missense variant.
Genome position (GRCh38, 1-based): chr14:99,257,607, G>C on the plus strand (C>G on the coding strand, the complement: BCL11B is on the minus strand). VCF-style: chr14-99257607-G-C. GRCh37 (hg19) VCF-style: chr14-99723944-G-C.
Other names: c.288C>G, p.Ser96Arg (NM_001282237.2, NM_001282238.2); c.291C>G, p.Ser97Arg (NM_022898.3); short protein forms S97R, S96R.
Identifiers: ClinVar variation 2763698 (VCV002763698.3), dbSNP rs2503926928, ClinGen allele CA390939061.

ClinVar aggregate classification (germline): Uncertain significance (1 of 4 stars; one submission).

Submission:

Labcorp Genetics (formerly Invitae), Labcorp
Classification: Uncertain significance. Last evaluated: 2023-09-27. Review status: criteria provided, single submitter. Criteria: Invitae Variant Classification Sherloc (09022015). Collection method: clinical testing. Allele origin: germline.
Comment: This variant has not been reported in the literature in individuals affected with BCL11B-related conditions. This variant is not present in population databases (gnomAD no frequency). This sequence change replaces serine, which is neutral and polar, with arginine, which is basic and polar, at codon 97 of the BCL11B protein (p.Ser97Arg). In summary, the available evidence is currently insufficient to determine the role of this variant in disease. Therefore, it has been classified as a Variant of Uncertain Significance. An algorithm developed to predict the effect of missense changes on protein structure and function (PolyPhen-2) suggests that this variant is likely to be tolerated.